The following is an entry in ClinVar:

NM_000171.4(GLRA1):c.1179C>T (p.Pro393=)

Gene: GLRA1 (glycine receptor alpha 1; minus strand). Cytogenetic location: 5q33.1.
Variant type: single nucleotide variant.
Coding change: c.1179C>T on transcript NM_000171.4 (MANE Select); coding-DNA position 1179, C replaced by T.
Protein change: p.Pro393=; no amino-acid change (proline 393 retained).
Molecular consequence: synonymous variant.
Genome position (GRCh38, 1-based): chr5:151,822,844, G>A on the plus strand (C>T on the coding strand, the complement: GLRA1 is on the minus strand). VCF-style: chr5-151822844-G-A. GRCh37 (hg19) VCF-style: chr5-151202405-G-A.
Other names: c.1203C>T, p.Pro401= (NM_001146040.2); c.930C>T, p.Pro310= (NM_001292000.2).
Identifiers: ClinVar variation 464184 (VCV000464184.13), dbSNP rs772443569, ClinGen allele CA3523492.

ClinVar aggregate classification (germline): Likely benign. Review status: criteria provided, single submitter (1 of 4 stars). 2 submissions from 2 submitters: Likely benign (1). 1 of the submissions does not count toward it. Last evaluated 2025-12-19.

Conditions:
GLRA1-related disorder. Also called: GLRA1-related condition.
Hereditary hyperekplexia. Identifiers: Orphanet 3197, MedGen C4084968, MONDO:0021022.

Allele frequency attached by ClinVar (database versions not stated): TOPMed 0.00002; gnomAD 0.00010; ExAC 0.00021.
gnomAD v4.1: 78 of 1,614,032 alleles (0.0048%); highest among the groups gnomAD compares: Admixed American, 0.13%; no homozygotes.

Submissions (2):

Labcorp Genetics (formerly Invitae), Labcorp
Classification: Likely benign for Hereditary hyperekplexia. Last evaluated: 2025-12-19. Review status: criteria provided, single submitter. Criteria: Invitae Variant Classification Sherloc (09022015). Collection method: clinical testing. Allele origin: germline.

PreventionGenetics, part of Exact Sciences
Classification: Likely benign for GLRA1-related condition. Last evaluated: 2019-10-28. Review status: no assertion criteria provided. Collection method: clinical testing. Allele origin: germline. Not counted in ClinVar's aggregate classification.
Comment: This variant is classified as likely benign based on ACMG/AMP sequence variant interpretation guidelines (Richards et al. 2015 PMID: 25741868, with internal and published modifications).